The following is an entry in ClinVar:

ClinVar aggregate classification (germline): Uncertain significance (1 of 4 stars; one submission).

Conditions:
Nemaline myopathy 2 (NEM2). Also called: Nemaline myopathy 2, autosomal recessive. Identifiers: MedGen C1850569, MONDO:0009725, OMIM 256030.

gnomAD v4.1: 1 of 1,613,678 alleles (0.000062%); highest among the groups gnomAD compares: Non-Finnish European, 0.000085%; no homozygotes.

Submission:

Broad Center for Mendelian Genomics, Broad Institute of MIT and Harvard
Classification: Uncertain significance for Nemaline myopathy 2. Last evaluated: 2023-01-25. Review status: criteria provided, single submitter. Criteria: ACMG Guidelines, 2015. Collection method: curation. Allele origin: germline.
Comment: Trio exome analysis revealed this variant to be in trans with a variant of uncertain significance (ClinVar Variation ID: 801769). The p.Val6708Ile variant in NEB has not been previously reported in individuals with nemaline myopathy 2. This variant was absent from large population studies. Computational prediction tools, including splice predictors, and conservation analyses suggest that this variant may not impact the protein, though this information is not predictive enough to rule out pathogenicity. In summary, the clinical significance of the p.Val6708Ile variant is uncertain. ACMG/AMP Criteria applied: PM2_Supporting, BP4 (Richards 2015).

NM_001164508.2(NEB):c.20122G>A (p.Val6708Ile)

Gene: NEB (nebulin; minus strand). Cytogenetic location: 2q23.3.
Variant type: single nucleotide variant.
Coding change: c.20122G>A on transcript NM_001164508.2 (MANE Select); coding-DNA position 20122, G replaced by A.
Protein change: p.Val6708Ile; replaces valine 6708 with isoleucine.
Molecular consequence: missense variant.
Genome position (GRCh38, 1-based): chr2:151,548,343, C>T on the plus strand (G>A on the coding strand, the complement: NEB is on the minus strand). VCF-style: chr2-151548343-C-T. GRCh37 (hg19) VCF-style: chr2-152404857-C-T.
Other names: NM_001164508.2:c.20122G>A; c.20122G>A, p.Val6708Ile (NM_001164507.2, NM_001271208.2); c.15019G>A, p.Val5007Ile (NM_004543.5); short protein forms V6708I, V5007I.
Identifiers: ClinVar variation 2412685 (VCV002412685.1), dbSNP rs1312710050, ClinGen allele CA348784313.
Genomic context (GRCh38, chr2:151,548,343, plus strand): 5'-TCTTGGAGAATCAGCATTCAGGTACCTCGCTGGTAACATTGTTGACTCTCCGGACGTGGA[C>T]AAATGGAACATCTTTGGGGCCAAGTGTATACCCATATGCCTTGGTGTGTTCATAGGCTTC-3'
Protein context (NP_001157980.2, residues 6698-6718): YTLGPKDVPF[Val6708Ile]HVRRVNNVTS